The following is an entry in ClinVar:

ClinVar aggregate classification (germline): Uncertain significance (1 of 4 stars; one submission).

Allele frequency attached by ClinVar (database versions not stated): gnomAD 0.00001; TOPMed 0.00001; gnomAD exomes 0.00002.
gnomAD v4.1: 31 of 1,612,688 alleles (0.0019%); highest among the groups gnomAD compares: Non-Finnish European, 0.0025%; no homozygotes.

Submission:

Labcorp Genetics (formerly Invitae), Labcorp
Classification: Uncertain significance. Last evaluated: 2023-01-12. Review status: criteria provided, single submitter. Criteria: Invitae Variant Classification Sherloc (09022015). Collection method: clinical testing. Allele origin: germline.
Comment: In summary, the available evidence is currently insufficient to determine the role of this variant in disease. Therefore, it has been classified as a Variant of Uncertain Significance. This variant has not been reported in the literature in individuals affected with IL23R-related conditions. This variant is present in population databases (no rsID available, gnomAD 0.0009%). This sequence change creates a premature translational stop signal (p.Trp35*) in the IL23R gene. It is expected to result in an absent or disrupted protein product. However, the current clinical and genetic evidence is not sufficient to establish whether loss-of-function variants in IL23R cause disease.

NM_144701.3(IL23R):c.104G>A (p.Trp35Ter)

Gene: IL23R (interleukin 23 receptor; plus strand). Cytogenetic location: 1p31.3.
Variant type: single nucleotide variant.
Coding change: c.104G>A on transcript NM_144701.3 (MANE Select); coding-DNA position 104, G replaced by A.
Protein change: p.Trp35Ter; replaces tryptophan 35 with a stop codon.
Molecular consequence: nonsense.
Genome position (GRCh38, 1-based): chr1:67,169,375, G>A. VCF-style: chr1-67169375-G-A. GRCh37 (hg19) VCF-style: chr1-67635058-G-A.
Other names: short protein forms W35*.
Identifiers: ClinVar variation 2793847 (VCV002793847.3), dbSNP rs1384135313, ClinGen allele CA340732163.